The following is an entry in ClinVar:

ClinVar aggregate classification (germline): Conflicting classifications of pathogenicity. Review status: criteria provided, conflicting classifications (1 of 4 stars). 5 submissions from 5 submitters: Uncertain significance (3); Likely benign (1). 1 of the submissions does not count toward it. Last evaluated 2026-02-17.

Conditions:
Primary ciliary dyskinesia 3. Identifiers: Orphanet 244, MedGen C1837618, MONDO:0012085, OMIM 608644.
Primary ciliary dyskinesia. Also called: Ciliary dyskinesia. Identifiers: Orphanet 244, MedGen C0008780, MONDO:0016575, HP:0012265.

Allele frequency attached by ClinVar (database versions not stated): TOPMed 0.00001.
gnomAD v4.1: 6 of 1,613,506 alleles (0.00037%); highest among the groups gnomAD compares: Admixed American, 0.0017%; no homozygotes.

Submissions (5):

Myriad Genetics, Inc.
Classification: Uncertain significance for Primary ciliary dyskinesia 3. Last evaluated: 2026-02-17. Review status: criteria provided, single submitter. Criteria: Myriad Autosomal Dominant, Autosomal Recessive and X-Linked Classification Criteria (2023). Collection method: clinical testing. Allele origin: unknown.
Comment: NM_001369.2(DNAH5):c.9125G>A(R3042Q) is a missense variant classified as a variant of uncertain significance in the context of primary ciliary dyskinesia, DNAH5-related. R3042Q has not been observed in cases with relevant disease. Relevant functional assessments of this variant are not available in the literature. R3042Q has been observed in referenced population frequency databases. In summary, there is insufficient evidence to classify NM_001369.2(DNAH5):c.9125G>A(R3042Q) as pathogenic or benign. Please note: this variant was assessed in the context of healthy population screening.

Labcorp Genetics (formerly Invitae), Labcorp
Classification: Likely benign for Primary ciliary dyskinesia. Last evaluated: 2025-11-24. Review status: criteria provided, single submitter. Criteria: Invitae Variant Classification Sherloc (09022015). Collection method: clinical testing. Allele origin: germline.

Blueprint Genetics
Classification: Uncertain significance. Last evaluated: 2022-08-19. Review status: criteria provided, single submitter. Criteria: ACMG Guidelines, 2015. Collection method: clinical testing. Allele origin: germline.

Fulgent Genetics
Classification: Uncertain significance for Primary ciliary dyskinesia 3. Last evaluated: 2021-07-21. Review status: criteria provided, single submitter. Criteria: ACMG Guidelines, 2015. Collection method: clinical testing. Allele origin: unknown.

Natera, Inc.
Classification: Uncertain significance for Primary ciliary dyskinesia. Last evaluated: 2020-09-16. Review status: no assertion criteria provided. Collection method: clinical testing. Allele origin: germline. Not counted in ClinVar's aggregate classification.

NM_001369.3(DNAH5):c.9125G>A (p.Arg3042Gln)

Gene: DNAH5 (dynein axonemal heavy chain 5; minus strand). Cytogenetic location: 5p15.2.
Variant type: single nucleotide variant.
Coding change: c.9125G>A on transcript NM_001369.3 (MANE Select); coding-DNA position 9125, G replaced by A.
Protein change: p.Arg3042Gln; replaces arginine 3042 with glutamine.
Molecular consequence: missense variant.
Genome position (GRCh38, 1-based): chr5:13,776,687, C>T on the plus strand (G>A on the coding strand, the complement: DNAH5 is on the minus strand). VCF-style: chr5-13776687-C-T. GRCh37 (hg19) VCF-style: chr5-13776796-C-T.
Other names: short protein forms R3042Q.
Identifiers: ClinVar variation 581624 (VCV000581624.13), dbSNP rs200839716, ClinGen allele CA3202605.